The following is an entry in ClinVar:

NM_000051.4(ATM):c.4612-5T>C

Gene: ATM (ATM serine/threonine kinase; plus strand). Cytogenetic location: 11q22.3.
Variant type: single nucleotide variant.
Coding change: c.4612-5T>C on transcript NM_000051.4 (MANE Select); 5 bases into the intron before coding-DNA position 4612, T replaced by C.
Molecular consequence: intron variant.
Genome position (GRCh38, 1-based): chr11:108,293,308, T>C. VCF-style: chr11-108293308-T-C. GRCh37 (hg19) VCF-style: chr11-108164035-T-C.
Other names: c.4612-5T>C (NM_001351834.2).
Identifiers: ClinVar variation 1741901 (VCV001741901.7), dbSNP rs2082910890, ClinGen allele CA942022200.

ClinVar aggregate classification (germline): Conflicting classifications of pathogenicity. Review status: criteria provided, conflicting classifications (1 of 4 stars). 3 submissions from 3 submitters: Uncertain significance (1); Likely benign (2). Last evaluated 2026-01-25.

Conditions:
Ataxia-telangiectasia syndrome (AT). Also called: LOUIS-BAR SYNDROME; Cerebello-oculocutaneous telangiectasia; Immunodeficiency with ataxia telangiectasia; Ataxia-telangiectasia, complementation group D; AT, COMPLEMENTATION GROUP C; ATAXIA-TELANGIECTASIA, COMPLEMENTATION GROUP A. Identifiers: Orphanet 100, MedGen C0004135, MONDO:0008840, OMIM 208900.
Hereditary cancer-predisposing syndrome. Also called: Neoplastic Syndromes, Hereditary; Tumor predisposition; Hereditary Cancer Syndrome; Hereditary neoplastic syndrome. Identifiers: Orphanet 140162, MedGen C0027672, MeSH D009386, MONDO:0015356.
Familial cancer of breast. Also called: BREAST CANCER, FAMILIAL; Hereditary breast cancer; hereditary breast carcinoma. Identifiers: Orphanet 227535, MedGen C0346153, MONDO:0016419, OMIM 114480. Disease mechanism: loss of function.

Allele frequency attached by ClinVar (database versions not stated): gnomAD exomes below 0.00001; gnomAD 0.00001.
gnomAD v4.1: 2 of 1,480,504 alleles (0.00014%); highest among the groups gnomAD compares: South Asian, 0.0012%; no homozygotes.

Submissions (3):

Labcorp Genetics (formerly Invitae), Labcorp
Classification: Likely benign for Ataxia-telangiectasia syndrome. Last evaluated: 2026-01-25. Review status: criteria provided, single submitter. Criteria: Invitae Variant Classification Sherloc (09022015). Collection method: clinical testing. Allele origin: germline.

Ambry Genetics
Classification: Uncertain significance for Hereditary cancer-predisposing syndrome. Last evaluated: 2025-05-07. Review status: criteria provided, single submitter. Criteria: Ambry Variant Classification Scheme 2023. Collection method: clinical testing. Allele origin: germline.
Comment: The c.4612-5T>C intronic variant results from a T to C substitution 5 nucleotides upstream from coding exon 30 in the ATM gene. This nucleotide position is highly conserved in available vertebrate species. In silico splice site analysis predicts that this alteration will not have any significant effect on splicing. Based on the available evidence, the clinical significance of this variant remains unclear.

Myriad Genetics, Inc.
Classification: Likely benign for Familial cancer of breast. Last evaluated: 2024-05-20. Review status: criteria provided, single submitter. Criteria: Myriad Autosomal Dominant, Autosomal Recessive and X-Linked Classification Criteria (2023). Collection method: clinical testing. Allele origin: unknown.
Comment: This variant is considered likely benign. This variant is intronic and is not expected to impact mRNA splicing.